The following is an entry in ClinVar:

NM_001382430.1(AKT1):c.1420T>C (p.Tyr474His)

Gene: AKT1 (AKT serine/threonine kinase 1; minus strand). Cytogenetic location: 14q32.33.
Variant type: single nucleotide variant.
Coding change: c.1420T>C on transcript NM_001382430.1 (MANE Select); coding-DNA position 1420, T replaced by C.
Protein change: p.Tyr474His; replaces tyrosine 474 with histidine.
Molecular consequence: missense variant.
Genome position (GRCh38, 1-based): chr14:104,770,364, A>G on the plus strand (T>C on the coding strand, the complement: AKT1 is on the minus strand). VCF-style: chr14-104770364-A-G. GRCh37 (hg19) VCF-style: chr14-105236701-A-G.
Other names: c.1420T>C, p.Tyr474His (NM_001014431.2, NM_001014432.2, NM_001382431.1 and 3 more transcripts); short protein forms Y474H.
Identifiers: ClinVar variation 2504741 (VCV002504741.1), dbSNP rs2542099334, ClinGen allele CA391214243.

ClinVar aggregate classification (germline): Uncertain significance (1 of 4 stars; one submission).

Submission:

GeneDx
Classification: Uncertain significance. Last evaluated: 2022-12-12. Review status: criteria provided, single submitter. Criteria: GeneDx Variant Classification Process June 2021. Collection method: clinical testing. Allele origin: germline. Affected: yes.
Comment: Not observed at significant frequency in large population cohorts (gnomAD); In silico analysis supports that this missense variant has a deleterious effect on protein structure/function; Has not been previously published as pathogenic or benign to our knowledge